The following is an entry in ClinVar:

ClinVar aggregate classification (germline): Pathogenic. Review status: reviewed by expert panel (3 of 4 stars). 2 submissions from 2 submitters: Pathogenic (1). 1 of the submissions does not count toward it. Last evaluated 2020-09-06.

Conditions:
Glanzmann thrombasthenia. Also called: BLEEDING DISORDER, PLATELET-TYPE, 2; THROMBASTHENIA OF GLANZMANN AND NAEGELI; PLATELET GLYCOPROTEIN IIb-IIIa DEFICIENCY; Glanzmann's thrombasthenia; Thrombasthenia. Identifiers: Orphanet 849, MedGen C0040015, MONDO:0100326.

Allele frequency attached by ClinVar (database versions not stated): gnomAD exomes below 0.00001.
gnomAD v4.1: 1 of 1,613,440 alleles (0.000062%); highest among the groups gnomAD compares: Non-Finnish European, 0.000085%; no homozygotes.

Submissions (2):

ClinGen Platelet Disorders Variant Curation Expert Panel, ClinGen
Classification: Pathogenic for Glanzmann thrombasthenia. Last evaluated: 2020-09-06. Review status: reviewed by expert panel. Criteria: ClinGen Platelet ACMG Specifications v2. Collection method: curation. Allele origin: germline. Inheritance: Autosomal recessive inheritance.
Comment: The canonical splice site variant NM_000419.4:c.624+2C>A predicted to affect splicing at intron 5 causing a frameshift and premature stop codon that leads to NMD (confirmed in by RT-PCR in patient cells). This variant is absent from all population databases but has been reported in one compound heterozygous proband with a phenotype highly specific to GT (PMID: 9920835). In summary, this variant meets criteria to be classified as Pathogenic for GT. GT-specific criteria applied: PVS1, PM2_Supporting, and PP4_Moderate.

Labcorp Genetics (formerly Invitae), Labcorp
Classification: Uncertain significance for Glanzmann thrombasthenia. Last evaluated: 2025-10-03. Review status: criteria provided, single submitter. Criteria: Invitae Variant Classification Sherloc (09022015). Collection method: clinical testing. Allele origin: germline. Not counted in ClinVar's aggregate classification.
Comment: This sequence change falls in intron 5 of the ITGA2B gene. It does not directly change the encoded amino acid sequence of the ITGA2B protein. It affects a nucleotide within the consensus splice site. This variant is not present in population databases (gnomAD no frequency). This variant has been observed in individual(s) with Glanzmann's thrombasthenia (PMID: 9920835). This variant is also known as IVS5(+2)C→A. ClinVar contains an entry for this variant (Variation ID: 953013). Studies have shown that this variant alters ITGA2B gene expression (PMID: 9920835). Variants that disrupt the consensus splice site are a relatively common cause of aberrant splicing (PMID: 17576681, 9536098). Studies have shown that this variant is associated with inconclusive levels of altered splicing (PMID: 9920835). In summary, the available evidence is currently insufficient to determine the role of this variant in disease. Therefore, it has been classified as a Variant of Uncertain Significance.

Literature cited by the submitters: PubMed 9920835 (cited by Labcorp Genetics (formerly Invitae), Labcorp); PubMed 17576681 (cited by Labcorp Genetics (formerly Invitae), Labcorp); PubMed 9536098 (cited by Labcorp Genetics (formerly Invitae), Labcorp).

NM_000419.5(ITGA2B):c.624+2C>A

Gene: ITGA2B (integrin subunit alpha 2b; minus strand). Cytogenetic location: 17q21.31.
Variant type: single nucleotide variant.
Coding change: c.624+2C>A on transcript NM_000419.5 (MANE Select); the canonical splice donor site of the intron after coding-DNA position 624, C replaced by A.
Molecular consequence: splice donor variant.
Genome position (GRCh38, 1-based): chr17:44,385,284, G>T on the plus strand (C>A on the coding strand, the complement: ITGA2B is on the minus strand). VCF-style: chr17-44385284-G-T. GRCh37 (hg19) VCF-style: chr17-42462652-G-T.
Identifiers: ClinVar variation 953013 (VCV000953013.4), dbSNP rs2048635467, ClinGen allele CA399805557.
Genomic context (GRCh38, chr17:44,385,284, plus strand): 5'-CTGAGGGTGAGAGGGGGCCCTGTTTGGGAGCCGCCCCCACTGCGCTTTTGCTCCCTACTC[G>T]CCTGAGTGACCACGGAGCTGAAGCCCGCTTCACAGTAACGCTTGTCCCAGCCTGCAGGAG-3'